The following is an entry in ClinVar:

ClinVar aggregate classification (germline): Uncertain significance. Review status: criteria provided, multiple submitters, no conflicts (2 of 4 stars). 2 submissions from 2 submitters: Uncertain significance (2). Last evaluated 2025-09-01.

Conditions:
Situs inversus. Also called: Situs inversus totalis. Identifiers: Orphanet 101063, MedGen C4551493, MONDO:0010029, HP:0001696.

Allele frequency attached by ClinVar (database versions not stated): ExAC 0.00002; gnomAD 0.00002; gnomAD exomes 0.00003 and 0.00007; TOPMed 0.00006; ESP Exome Variant Server 0.00008.
gnomAD v4.1: 106 of 1,614,006 alleles (0.0066%); highest among the groups gnomAD compares: Non-Finnish European, 0.0087%; no homozygotes.

Submissions (2):

Ambry Genetics
Classification: Uncertain significance. Last evaluated: 2025-09-01. Review status: criteria provided, single submitter. Criteria: Ambry Variant Classification Scheme 2023. Collection method: clinical testing. Allele origin: germline.

Labcorp Genetics (formerly Invitae), Labcorp
Classification: Uncertain significance for Situs inversus. Last evaluated: 2023-08-10. Review status: criteria provided, single submitter. Criteria: Invitae Variant Classification Sherloc (09022015). Collection method: clinical testing. Allele origin: germline.
Comment: In summary, the available evidence is currently insufficient to determine the role of this variant in disease. Therefore, it has been classified as a Variant of Uncertain Significance. An algorithm developed to predict the effect of missense changes on protein structure and function (PolyPhen-2) suggests that this variant is likely to be tolerated. ClinVar contains an entry for this variant (Variation ID: 942263). This variant has not been reported in the literature in individuals affected with CFAP52-related conditions. This variant is present in population databases (rs371902741, gnomAD 0.007%). This sequence change replaces tyrosine, which is neutral and polar, with histidine, which is basic and polar, at codon 41 of the CFAP52 protein (p.Tyr41His).

NM_145054.5(CFAP52):c.121T>C (p.Tyr41His)

Gene: CFAP52 (cilia and flagella associated protein 52; plus strand). Cytogenetic location: 17p13.1.
Variant type: single nucleotide variant.
Coding change: c.121T>C on transcript NM_145054.5 (MANE Select); coding-DNA position 121, T replaced by C.
Protein change: p.Tyr41His; replaces tyrosine 41 with histidine.
Molecular consequence: missense variant. On other transcripts: intron variant (1).
Genome position (GRCh38, 1-based): chr17:9,585,823, T>C. VCF-style: chr17-9585823-T-C. GRCh37 (hg19) VCF-style: chr17-9489140-T-C.
Other names: c.71-879T>C (NM_001080556.2); short protein forms Y41H.
Identifiers: ClinVar variation 942263 (VCV000942263.11), dbSNP rs371902741, ClinGen allele CA8381762.
Genomic context (GRCh38, chr17:9,585,823, plus strand): 5'-TCTCTTTTAGGACATGTGCCCACTGGTCTCAAATGCCATCCTGACCAGGAGCATATGATT[T>C]ATCCTCTTGGTTGCACAGTCCTCATTCAGGCAATAAATACTAAAGAGCAGAACTTCCTAC-3'
Protein context (NP_659491.4, residues 31-51): KCHPDQEHMI[Tyr41His]PLGCTVLIQA